The following is an entry in ClinVar:

ClinVar aggregate classification (germline): Uncertain significance. Review status: criteria provided, single submitter (1 of 4 stars). 2 submissions from 2 submitters: Uncertain significance (1). 1 of the submissions does not count toward it. Last evaluated 2026-08-01.

Conditions:
Cohen syndrome (COH1). Also called: PEPPER SYNDROME; Cutis verticis gyrata, retinitis pigmentosa, and sensorineural deafness. Identifiers: Orphanet 193, MedGen C0265223, MONDO:0008999, OMIM 216550.

Submissions (2):

CeGaT Center for Human Genetics Tuebingen
Classification: Uncertain significance. Last evaluated: 2026-08-01. Review status: criteria provided, single submitter. Criteria: CeGaT Center For Human Genetics Tuebingen Variant Classification Criteria Version 2. Collection method: clinical testing. Allele origin: germline. Affected: yes. Observed: 1 variant allele.
Comment: VPS13B: PM2

Natera, Inc.
Classification: Uncertain significance for Cohen syndrome. Last evaluated: 2025-05-30. Review status: no assertion criteria provided. Collection method: clinical testing. Allele origin: germline. Not counted in ClinVar's aggregate classification.

NM_152564.5(VPS13B):c.7567T>C (p.Phe2523Leu)

Gene: VPS13B (vacuolar protein sorting 13 homolog B; plus strand). Cytogenetic location: 8q22.2.
Variant type: single nucleotide variant.
Coding change: c.7567T>C on transcript NM_152564.5 (MANE Select); coding-DNA position 7567, T replaced by C.
Protein change: p.Phe2523Leu; replaces phenylalanine 2523 with leucine.
Molecular consequence: missense variant.
Genome position (GRCh38, 1-based): chr8:99,778,819, T>C. VCF-style: chr8-99778819-T-C. GRCh37 (hg19) VCF-style: chr8-100791047-T-C.
Other names: c.7642T>C, p.Phe2548Leu (NM_017890.5); short protein forms F2523L, F2548L.
Identifiers: ClinVar variation 4063085 (VCV004063085.2).